The following is an entry in ClinVar:

NM_001177693.2(ARHGEF28):c.1452C>T (p.Ala484=)

Gene: ARHGEF28 (Rho guanine nucleotide exchange factor 28; plus strand). Cytogenetic location: 5q13.2.
Variant type: single nucleotide variant.
Coding change: c.1452C>T on transcript NM_001177693.2 (MANE Select); coding-DNA position 1452, C replaced by T.
Protein change: p.Ala484=; no amino-acid change (alanine 484 retained).
Molecular consequence: synonymous variant.
Genome position (GRCh38, 1-based): chr5:73,846,292, C>T. VCF-style: chr5-73846292-C-T. GRCh37 (hg19) VCF-style: chr5-73142117-C-T.
Other names: c.1452C>T, p.Ala484= (NM_001080479.3, NM_001388078.1); c.513C>T, p.Ala171= (NM_001244364.2); c.1158C>T, p.Ala386= (NM_001388076.1).
Identifiers: ClinVar variation 3029974 (VCV003029974.2), dbSNP rs370211442, ClinGen allele CA3304551.

ClinVar aggregate classification (germline): Likely benign (0 of 4 stars; one submission).

Conditions:
ARHGEF28-related disorder. Also called: ARHGEF28-related condition.

Allele frequency attached by ClinVar (database versions not stated): TOPMed 0.00006; ExAC 0.00008; ESP Exome Variant Server 0.00008; gnomAD 0.00009; gnomAD exomes 0.00009.
gnomAD v4.1: 156 of 1,613,386 alleles (0.0097%); highest among the groups gnomAD compares: Non-Finnish European, 0.0063%; no homozygotes.

Submission:

PreventionGenetics, part of Exact Sciences
Classification: Likely benign for ARHGEF28-related condition. Last evaluated: 2022-12-09. Review status: no assertion criteria provided. Collection method: clinical testing. Allele origin: germline.
Comment: This variant is classified as likely benign based on ACMG/AMP sequence variant interpretation guidelines (Richards et al. 2015 PMID: 25741868, with internal and published modifications).